The following is an entry in ClinVar:

NM_005591.4(MRE11):c.1535C>G (p.Thr512Ser)

Gene: MRE11 (MRE11 double strand break repair nuclease; minus strand). Cytogenetic location: 11q21.
Variant type: single nucleotide variant.
Coding change: c.1535C>G on transcript NM_005591.4 (MANE Select); coding-DNA position 1535, C replaced by G.
Protein change: p.Thr512Ser; replaces threonine 512 with serine.
Molecular consequence: missense variant.
Genome position (GRCh38, 1-based): chr11:94,456,304, G>C on the plus strand (C>G on the coding strand, the complement: MRE11 is on the minus strand). VCF-style: chr11-94456304-G-C. GRCh37 (hg19) VCF-style: chr11-94189470-G-C.
Other names: c.1535C>G, p.Thr512Ser (NM_001330347.2, NM_005590.4); short protein forms T512S.
Identifiers: ClinVar variation 1800017 (VCV001800017.2), dbSNP rs781438010, ClinGen allele CA6235046.

ClinVar aggregate classification (germline): Uncertain significance (1 of 4 stars; one submission).

Conditions:
Hereditary cancer-predisposing syndrome. Also called: Neoplastic Syndromes, Hereditary; Tumor predisposition; Hereditary Cancer Syndrome; Hereditary neoplastic syndrome. Identifiers: Orphanet 140162, MedGen C0027672, MeSH D009386, MONDO:0015356.

Allele frequency attached by ClinVar (database versions not stated): ExAC 0.00001.
gnomAD v4.1: 2 of 1,613,402 alleles (0.00012%); highest among the groups gnomAD compares: African/African-American, 0.0027%; no homozygotes.

Submission:

Ambry Genetics
Classification: Uncertain significance for Hereditary cancer-predisposing syndrome. Last evaluated: 2024-03-08. Review status: criteria provided, single submitter. Criteria: Ambry Variant Classification Scheme 2023. Collection method: clinical testing. Allele origin: germline.
Comment: The p.T512S variant (also known as c.1535C>G), located in coding exon 13 of the MRE11A gene, results from a C to G substitution at nucleotide position 1535. The threonine at codon 512 is replaced by serine, an amino acid with similar properties. This amino acid position is conserved. In addition, this alteration is predicted to be tolerated by in silico analysis. Since supporting evidence is limited at this time, the clinical significance of this alteration remains unclear.